The following is an entry in ClinVar:

NM_001040108.2(MLH3):c.3934_3935del (p.Glu1312fs)

Gene: MLH3 (mutL homolog 3; minus strand). Cytogenetic location: 14q24.3.
Variant type: Microsatellite.
Coding change: c.3934_3935del on transcript NM_001040108.2 (MANE Select); coding-DNA positions 3934 to 3935, 2 bases deleted (GA; older notation c.3934_3935delGA).
Protein change: p.Glu1312fs; shifts the reading frame from glutamic acid 1312.
Molecular consequence: frameshift variant.
Genome position (GRCh38, 1-based): chr14:75,030,595-75,030,596, TC deleted on the plus strand (GA on the coding strand, the reverse complement: MLH3 is on the minus strand); deleting any 2 consecutive bases within chr14:75,030,595-75,030,599 gives the same sequence; the c. name uses the placement nearest the transcript's 3' end. VCF-style (leftmost placement, unchanged base first): chr14-75030594-TTC-T. GRCh37 (hg19) VCF-style: chr14-75497297-TTC-T.
Other names: c.3931_3932AG[1], p.Glu1312Serfs (NM_001040108.1); c.3862_3863del, p.Glu1288fs (NM_014381.3); c.3934_3935delGA (NM_001040108.1); short protein forms E1312fs, E1288fs.
Identifiers: ClinVar variation 5024554 (VCV005024554.1).

ClinVar aggregate classification (germline): Pathogenic (1 of 4 stars; one submission).

Submission:

Ambry Genetics
Classification: Pathogenic. Last evaluated: 2026-09-08. Review status: criteria provided, single submitter. Criteria: Ambry Variant Classification Scheme 2023. Collection method: clinical testing. Allele origin: germline.
Comment: The c.3934_3935delGA pathogenic mutation, located in coding exon 8 of the MLH3 gene, results from a deletion of two nucleotides at nucleotide positions 3934 to 3935, causing a translational frameshift with a predicted alternate stop codon (p.E1312Sfs*3). This variant is considered to be rare based on population cohorts in the Genome Aggregation Database (gnomAD). This alteration is expected to result in loss of function by premature protein truncation or nonsense-mediated mRNA decay. As such, this alteration is interpreted as a disease-causing mutation.